The following is an entry in ClinVar:

NM_001323289.2(CDKL5):c.100-3C>G

Gene: CDKL5 (cyclin dependent kinase like 5; plus strand). Cytogenetic location: Xp22.13.
Variant type: single nucleotide variant.
Coding change: c.100-3C>G on transcript NM_001323289.2 (MANE Select); 3 bases into the intron before coding-DNA position 100, C replaced by G.
Molecular consequence: intron variant.
Genome position (GRCh38, 1-based): chrX:18,564,474, C>G. VCF-style: chrX-18564474-C-G. GRCh37 (hg19) VCF-style: chrX-18582594-C-G.
Other names: c.100-3C>G (NM_003159.3, NM_001037343.2).
Identifiers: ClinVar variation 1427261 (VCV001427261.6), dbSNP rs2147132216, ClinGen allele CA2573158446.

ClinVar aggregate classification (germline): Uncertain significance (1 of 4 stars; one submission).

Conditions:
Angelman syndrome-like. Identifiers: MedGen CN128785.
Developmental and epileptic encephalopathy, 2 (DEE2). Also called: INFANTILE SPASM SYNDROME, X-LINKED 2; CDKL5 deficiency disorder. Identifiers: Orphanet 1934, Orphanet 3451, Orphanet 505652, MedGen C4750718, MONDO:0010396, OMIM 300672.

Submission:

Labcorp Genetics (formerly Invitae), Labcorp
Classification: Uncertain significance for Developmental and epileptic encephalopathy, 2; Angelman syndrome-like. Last evaluated: 2021-05-12. Review status: criteria provided, single submitter. Criteria: Invitae Variant Classification Sherloc (09022015). Collection method: clinical testing. Allele origin: germline.
Comment: This sequence change falls in intron 3 of the CDKL5 gene. It does not directly change the encoded amino acid sequence of the CDKL5 protein. It affects a nucleotide within the consensus splice site of the intron. This variant is not present in population databases (ExAC no frequency). This variant has not been reported in the literature in individuals with CDKL5-related conditions. Nucleotide substitutions within the consensus splice site are a relatively common cause of aberrant splicing (PMID: 17576681, 9536098). Algorithms developed to predict the effect of sequence changes on RNA splicing suggest that this variant may disrupt the consensus splice site, but this prediction has not been confirmed by published transcriptional studies. In summary, the available evidence is currently insufficient to determine the role of this variant in disease. Therefore, it has been classified as a Variant of Uncertain Significance.

Literature cited by the submitters: PubMed 17576681; PubMed 9536098.